The following is an entry in ClinVar:

NM_007294.4(BRCA1):c.5058_5059insCAAC (p.Val1687fs)

Gene: BRCA1 (BRCA1 DNA repair associated; minus strand). Cytogenetic location: 17q21.31.
Variant type: Insertion.
Coding change: c.5058_5059insCAAC on transcript NM_007294.4 (MANE Select); coding-DNA positions 5058 to 5059, CAAC inserted.
Protein change: p.Val1687fs; shifts the reading frame from valine 1687.
Molecular consequence: frameshift variant. On other transcripts: non-coding transcript variant (1).
Genome position: GRCh38 VCF-style: chr17-43067623-C-CGTTG. GRCh37 (hg19) VCF-style: chr17-41219640-C-CGTTG.
Other names: 5178insCAAC; c.1743_1744insCAAC, p.Val582Glnfs (NM_001408402.1, NM_001408403.1, NM_001408404.1 and 8 more transcripts); c.1740_1741insCAAC, p.Val581Glnfs (NM_001408406.1, NM_001408407.1, NM_001408408.1); c.1737_1738insCAAC, p.Val580Glnfs (NM_001408409.1); c.1674_1675insCAAC, p.Val559Glnfs (NM_001408410.1); c.1671_1672insCAAC, p.Val558Glnfs (NM_001408411.1); c.1668_1669insCAAC, p.Val557Glnfs (NM_001408412.1, NM_001408413.1, NM_001408414.1 and 2 more transcripts); c.1632_1633insCAAC, p.Val545Glnfs (NM_001408418.1, NM_001408419.1, NM_001408420.1); and 74 more; short protein forms V1687fs, V1640fs, V1708fs, V583fs.
Identifiers: ClinVar variation 266520 (VCV000266520.6), dbSNP rs886040267, ClinGen allele CA10589623.

ClinVar aggregate classification (germline): Pathogenic. Review status: reviewed by expert panel (3 of 4 stars). 2 submissions from 2 submitters: Pathogenic (1). 1 of the submissions does not count toward it. Last evaluated 2016-10-18.

Conditions:
Breast-ovarian cancer, familial, susceptibility to, 1 (BROVCA1). Also called: BRCA1 Hereditary Breast and Ovarian Cancer; OVARIAN CANCER, SUSCEPTIBILITY TO. Identifiers: Orphanet 145, MedGen C2676676, MONDO:0011450, OMIM 604370. Disease mechanism: loss of function.

Submissions (2):

Evidence-based Network for the Interpretation of Germline Mutant Alleles (ENIGMA)
Classification: Pathogenic for Breast-ovarian cancer, familial, susceptibility to, 1. Last evaluated: 2016-10-18. Review status: reviewed by expert panel. Criteria: ENIGMA BRCA1/2 Classification Criteria (2015). Collection method: curation. Allele origin: germline.
Comment: Variant allele predicted to encode a truncated non-functional protein.

Consortium of Investigators of Modifiers of BRCA1/2 (CIMBA), c/o University of Cambridge
Classification: Pathogenic for Breast-ovarian cancer, familial, susceptibility to, 1. Last evaluated: 2015-10-02. Review status: criteria provided, single submitter. Criteria: CIMBA Mutation Classification guidelines May 2016. Collection method: clinical testing. Allele origin: germline. Not counted in ClinVar's aggregate classification.